The following is an entry in ClinVar:

ClinVar aggregate classification (germline): Uncertain significance (1 of 4 stars; one submission).

Conditions:
Pulmonary fibrosis and/or bone marrow failure, Telomere-related, 3. Also called: PULMONARY FIBROSIS AND/OR BONE MARROW FAILURE SYNDROME, TELOMERE-RELATED, 3. Identifiers: Orphanet 2032, MedGen C4225346, MONDO:0014613, OMIM 616373.
Dyskeratosis congenita, autosomal recessive 5 (DKCB5). Identifiers: MedGen C3554656, MONDO:0014076, OMIM 615190.

Allele frequency attached by ClinVar (database versions not stated): gnomAD 0.00002; TOPMed 0.00002; ESP Exome Variant Server 0.00008.
gnomAD v4.1: 18 of 1,612,578 alleles (0.0011%); highest among the groups gnomAD compares: Admixed American, 0.0033%; no homozygotes.

Submission:

Labcorp Genetics (formerly Invitae), Labcorp
Classification: Uncertain significance for Dyskeratosis congenita, autosomal recessive 5; Pulmonary fibrosis and/or bone marrow failure, Telomere-related, 3. Last evaluated: 2024-03-06. Review status: criteria provided, single submitter. Criteria: Invitae Variant Classification Sherloc (09022015). Collection method: clinical testing. Allele origin: germline.
Comment: This sequence change replaces alanine, which is neutral and non-polar, with threonine, which is neutral and polar, at codon 528 of the RTEL1 protein (p.Ala528Thr). This variant is present in population databases (rs149952845, gnomAD 0.003%). This variant has not been reported in the literature in individuals affected with RTEL1-related conditions. ClinVar contains an entry for this variant (Variation ID: 2167753). An algorithm developed to predict the effect of missense changes on protein structure and function (PolyPhen-2) suggests that this variant is likely to be tolerated. In summary, the available evidence is currently insufficient to determine the role of this variant in disease. Therefore, it has been classified as a Variant of Uncertain Significance.

NM_001283009.2(RTEL1):c.1582G>A (p.Ala528Thr)

Genes: RTEL1 (regulator of telomere elongation helicase 1; plus strand), RTEL1-TNFRSF6B (RTEL1-TNFRSF6B readthrough (NMD candidate); plus strand). Cytogenetic location: 20q13.33.
Variant type: single nucleotide variant.
Coding change: c.1582G>A on transcript NM_001283009.2 (MANE Select); coding-DNA position 1582, G replaced by A.
Protein change: p.Ala528Thr; replaces alanine 528 with threonine.
Molecular consequence: missense variant. On other transcripts: non-coding transcript variant (1).
Genome position (GRCh38, 1-based): chr20:63,688,037, G>A. VCF-style: chr20-63688037-G-A. GRCh37 (hg19) VCF-style: chr20-62319390-G-A.
Other names: c.913G>A, p.Ala305Thr (NM_001283010.1); c.1582G>A, p.Ala528Thr (NM_016434.4); c.1654G>A, p.Ala552Thr (NM_032957.5); short protein forms A528T, A305T, A552T.
Identifiers: ClinVar variation 2167753 (VCV002167753.4), dbSNP rs149952845, ClinGen allele CA9964843.